The following is an entry in ClinVar:

ClinVar aggregate classification (germline): Uncertain significance (1 of 4 stars; one submission).

Allele frequency attached by ClinVar (database versions not stated): gnomAD 0.00001; gnomAD exomes 0.00001 and 0.00002; TOPMed 0.00001; ExAC 0.00002.
gnomAD v4.1: 7 of 1,614,016 alleles (0.00043%); highest among the groups gnomAD compares: Admixed American, 0.01%; no homozygotes.

Submission:

Labcorp Genetics (formerly Invitae), Labcorp
Classification: Uncertain significance. Last evaluated: 2022-01-17. Review status: criteria provided, single submitter. Criteria: Invitae Variant Classification Sherloc (09022015). Collection method: clinical testing. Allele origin: germline.
Comment: This sequence change replaces phenylalanine, which is neutral and non-polar, with leucine, which is neutral and non-polar, at codon 1311 of the SZT2 protein (p.Phe1311Leu). This variant is present in population databases (rs763142408, gnomAD 0.01%). This variant has not been reported in the literature in individuals affected with SZT2-related conditions. Algorithms developed to predict the effect of missense changes on protein structure and function are either unavailable or do not agree on the potential impact of this missense change (SIFT: "Deleterious"; PolyPhen-2: "Benign"; Align-GVGD: "Class C15"). In summary, the available evidence is currently insufficient to determine the role of this variant in disease. Therefore, it has been classified as a Variant of Uncertain Significance.

NM_001365999.1(SZT2):c.4104C>G (p.Phe1368Leu)

Gene: SZT2 (SZT2 subunit of KICSTOR complex; plus strand). Cytogenetic location: 1p34.2.
Variant type: single nucleotide variant.
Coding change: c.4104C>G on transcript NM_001365999.1 (MANE Select); coding-DNA position 4104, C replaced by G.
Protein change: p.Phe1368Leu; replaces phenylalanine 1368 with leucine.
Molecular consequence: missense variant.
Genome position (GRCh38, 1-based): chr1:43,428,424, C>G. VCF-style: chr1-43428424-C-G. GRCh37 (hg19) VCF-style: chr1-43894095-C-G.
Other names: c.3933C>G, p.Phe1311Leu (NM_015284.4); short protein forms F1311L, F1368L.
Identifiers: ClinVar variation 1438389 (VCV001438389.5), dbSNP rs763142408, ClinGen allele CA809183.